The following is an entry in ClinVar:

NM_152564.5(VPS13B):c.2887T>C (p.Trp963Arg)

Gene: VPS13B (vacuolar protein sorting 13 homolog B; plus strand). Cytogenetic location: 8q22.2.
Variant type: single nucleotide variant.
Coding change: c.2887T>C on transcript NM_152564.5 (MANE Select); coding-DNA position 2887, T replaced by C.
Protein change: p.Trp963Arg; replaces tryptophan 963 with arginine.
Molecular consequence: missense variant.
Genome position (GRCh38, 1-based): chr8:99,384,270, T>C. VCF-style: chr8-99384270-T-C. GRCh37 (hg19) VCF-style: chr8-100396498-T-C.
Other names: c.2887T>C, p.Trp963Arg (NM_017890.5); short protein forms W963R.
Identifiers: ClinVar variation 4999724 (VCV004999724.1).

ClinVar aggregate classification (germline): Uncertain significance (1 of 4 stars; one submission).

Conditions:
VPS13B-related disorder. Also called: VPS13B-related condition.

Submission:

PreventionGenetics, part of Exact Sciences
Classification: Uncertain significance for VPS13B-related condition. Last evaluated: 2025-05-22. Review status: criteria provided, single submitter. Criteria: ACMG Guidelines, 2015. Collection method: clinical testing. Allele origin: germline.
Comment: The VPS13B c.2887T>C variant is predicted to result in the amino acid substitution p.Trp963Arg. To our knowledge, this variant has not been reported in the literature or in a large population database (gnomAD), indicating this variant is rare. At this time, the clinical significance of this variant is uncertain due to the absence of conclusive functional and genetic evidence.